The following is an entry in ClinVar:

ClinVar aggregate classification (germline): Uncertain significance (1 of 4 stars; one submission).

Conditions:
Autosomal recessive limb-girdle muscular dystrophy type 2Y (MRRSDC). Also called: Muscular dystrophy, limb-girdle, type 2y; Muscular dystrophy, autosomal recessive, with rigid spine and distal joint contractures. Identifiers: Orphanet 424261, MedGen C4511482, MONDO:0014900, OMIM 617072.

Allele frequency attached by ClinVar (database versions not stated): TOPMed below 0.00001.
gnomAD v4.1: 4 of 1,614,224 alleles (0.00025%); highest among the groups gnomAD compares: Admixed American, 0.005%; no homozygotes.

Submission:

Labcorp Genetics (formerly Invitae), Labcorp
Classification: Uncertain significance for Autosomal recessive limb-girdle muscular dystrophy type 2Y. Last evaluated: 2022-03-03. Review status: criteria provided, single submitter. Criteria: Invitae Variant Classification Sherloc (09022015). Collection method: clinical testing. Allele origin: germline.
Comment: This sequence change replaces glutamine, which is neutral and polar, with histidine, which is basic and polar, at codon 113 of the TOR1AIP1 protein (p.Gln113His). This variant is present in population databases (no rsID available, gnomAD 0.009%). This variant has not been reported in the literature in individuals affected with TOR1AIP1-related conditions. Algorithms developed to predict the effect of missense changes on protein structure and function output the following: SIFT: "Tolerated"; PolyPhen-2: "Benign"; Align-GVGD: "Class C0". The histidine amino acid residue is found in multiple mammalian species, which suggests that this missense change does not adversely affect protein function. In summary, the available evidence is currently insufficient to determine the role of this variant in disease. Therefore, it has been classified as a Variant of Uncertain Significance.

NM_015602.4(TOR1AIP1):c.339G>T (p.Gln113His)

Genes: TOR1AIP1 (torsin 1A interacting protein 1; plus strand), LOC112577517 (Sharpr-MPRA regulatory region 13766; plus strand). Cytogenetic location: 1q25.2.
Variant type: single nucleotide variant.
Coding change: c.339G>T on transcript NM_015602.4 (MANE Select); coding-DNA position 339, G replaced by T.
Protein change: p.Gln113His; replaces glutamine 113 with histidine.
Molecular consequence: missense variant.
Genome position (GRCh38, 1-based): chr1:179,882,841, G>T. VCF-style: chr1-179882841-G-T. GRCh37 (hg19) VCF-style: chr1-179851976-G-T.
Other names: c.339G>T, p.Gln113His (NM_001267578.2); short protein forms Q113H.
Identifiers: ClinVar variation 1983241 (VCV001983241.1), dbSNP rs1209961111, ClinGen allele CA343578105.